The following is an entry in ClinVar:

ClinVar aggregate classification (germline): Uncertain significance. Review status: criteria provided, multiple submitters, no conflicts (2 of 4 stars). 2 submissions from 2 submitters: Uncertain significance (2). Last evaluated 2025-10-24.

Conditions:
Inborn genetic diseases. Identifiers: MedGen C0950123, MeSH D030342.
Congenital myotonia, autosomal dominant form (THD). Also called: THOMSEN DISEASE; Myotonia congenita autosomal dominant. Identifiers: Orphanet 614, MedGen C2936781, MONDO:0008055, OMIM 160800.
Congenital myotonia, autosomal recessive form. Also called: BECKER DISEASE; myotonia congenita, autosomal recessive; Becker Generalized Myotonia. Identifiers: Orphanet 614, MedGen C0751360, MONDO:0009715, OMIM 255700.

Submissions (2):

Ambry Genetics
Classification: Uncertain significance for Inborn genetic diseases. Last evaluated: 2025-10-24. Review status: criteria provided, single submitter. Criteria: Ambry Variant Classification Scheme 2023. Collection method: clinical testing. Allele origin: germline.

Labcorp Genetics (formerly Invitae), Labcorp
Classification: Uncertain significance for Congenital myotonia, autosomal recessive form; Congenital myotonia, autosomal dominant form. Last evaluated: 2022-01-05. Review status: criteria provided, single submitter. Criteria: Invitae Variant Classification Sherloc (09022015). Collection method: clinical testing. Allele origin: germline.
Comment: In summary, the available evidence is currently insufficient to determine the role of this variant in disease. Therefore, it has been classified as a Variant of Uncertain Significance. Algorithms developed to predict the effect of missense changes on protein structure and function (SIFT, PolyPhen-2, Align-GVGD) all suggest that this variant is likely to be tolerated. This variant has not been reported in the literature in individuals affected with CLCN1-related conditions. This variant is not present in population databases (gnomAD no frequency). This sequence change replaces valine, which is neutral and non-polar, with leucine, which is neutral and non-polar, at codon 448 of the CLCN1 protein (p.Val448Leu).

NM_000083.3(CLCN1):c.1342G>C (p.Val448Leu)

Gene: CLCN1 (chloride voltage-gated channel 1; plus strand). Cytogenetic location: 7q34.
Variant type: single nucleotide variant.
Coding change: c.1342G>C on transcript NM_000083.3 (MANE Select); coding-DNA position 1342, G replaced by C.
Protein change: p.Val448Leu; replaces valine 448 with leucine.
Molecular consequence: missense variant.
Genome position (GRCh38, 1-based): chr7:143,332,814, G>C. VCF-style: chr7-143332814-G-C. GRCh37 (hg19) VCF-style: chr7-143029907-G-C.
Other names: c.1342G>C (NM_000083.2); short protein forms V448L.
Identifiers: ClinVar variation 2195953 (VCV002195953.5), dbSNP rs200371691, ClinGen allele CA369644214.